The following is an entry in ClinVar:

ClinVar aggregate classification (germline): Likely benign. Review status: criteria provided, multiple submitters, no conflicts (2 of 4 stars). 2 submissions from 2 submitters: Likely benign (2). Last evaluated 2026-07-19.

Conditions:
EGR2-related disorder. Also called: EGR2-related condition.
Charcot-Marie-Tooth disease, type I (CMT1). Also called: Charcot-Marie-Tooth disease type 1; Charcot-Marie-Tooth, Type 1. Identifiers: Orphanet 65753, MedGen C0751036, MONDO:0019011.

Allele frequency attached by ClinVar (database versions not stated): gnomAD exomes below 0.00001; ExAC 0.00001; gnomAD 0.00006 and 0.00007; TOPMed 0.00008.
gnomAD v4.1: 16 of 1,614,222 alleles (0.00099%); highest among the groups gnomAD compares: Middle Eastern, 0.033%; no homozygotes.

Submissions (2):

PreventionGenetics, part of Exact Sciences
Classification: Likely benign for EGR2-related condition. Last evaluated: 2026-07-19. Review status: criteria provided, single submitter. Criteria: ACMG Guidelines, 2015. Collection method: clinical testing. Allele origin: germline.
Comment: This variant is classified as likely benign based on ACMG/AMP sequence variant interpretation guidelines (Richards et al. 2015 PMID: 25741868, with internal and published modifications).

Labcorp Genetics (formerly Invitae), Labcorp
Classification: Likely benign for Charcot-Marie-Tooth disease, type I. Last evaluated: 2024-02-13. Review status: criteria provided, single submitter. Criteria: Invitae Variant Classification Sherloc (09022015). Collection method: clinical testing. Allele origin: germline.

NM_000399.5(EGR2):c.669C>A (p.Ile223=)

Gene: EGR2 (early growth response 2; minus strand). Cytogenetic location: 10q21.3.
Variant type: single nucleotide variant.
Coding change: c.669C>A on transcript NM_000399.5 (MANE Select); coding-DNA position 669, C replaced by A.
Protein change: p.Ile223=; no amino-acid change (isoleucine 223 retained).
Molecular consequence: synonymous variant.
Genome position (GRCh38, 1-based): chr10:62,813,969, G>T on the plus strand (C>A on the coding strand, the complement: EGR2 is on the minus strand). VCF-style: chr10-62813969-G-T. GRCh37 (hg19) VCF-style: chr10-64573729-G-T.
Other names: c.669C>A (NM_000399.4); c.669C>A, p.Ile223= (NM_001136177.3, NM_001136178.2); c.519C>A, p.Ile173= (NM_001136179.3, NM_001321037.2).
Identifiers: ClinVar variation 1151920 (VCV001151920.10), dbSNP rs766860417, ClinGen allele CA5517247.
Genomic context (GRCh38, chr10:62,813,969, plus strand): 5'-GCCAGCTGTACCATGTAGGTCTCTCTGGCACTGAGATGGAAAGAATCCAGGATAGTCTGG[G>T]ATCATTGGGAAGAGACCTGGGTCCGTGGCTGGCTTGGGGGATGGATAGGAAGGAGGTGGT-3'
Protein context (NP_000390.2, residues 213-233): PATDPGLFPM[Ile223=]PDYPGFFPSQ